The following is an entry in ClinVar:

NM_014874.4(MFN2):c.893G>T (p.Gly298Val)

Gene: MFN2 (mitofusin 2; plus strand). Cytogenetic location: 1p36.22.
Variant type: single nucleotide variant.
Coding change: c.893G>T on transcript NM_014874.4 (MANE Select); coding-DNA position 893, G replaced by T.
Protein change: p.Gly298Val; replaces glycine 298 with valine.
Molecular consequence: missense variant.
Genome position (GRCh38, 1-based): chr1:12,001,477, G>T. VCF-style: chr1-12001477-G-T. GRCh37 (hg19) VCF-style: chr1-12061534-G-T.
Other names: c.893G>T, p.Gly298Val (NM_001127660.2); short protein forms G298V.
Identifiers: ClinVar variation 3720897 (VCV003720897.2).

ClinVar aggregate classification (germline): Uncertain significance (1 of 4 stars; one submission).

Conditions:
Charcot-Marie-Tooth disease type 2. Also called: Charcot-Marie-Tooth type 2. Identifiers: Orphanet 64746, MedGen C0270914, MONDO:0018993.

Submission:

Labcorp Genetics (formerly Invitae), Labcorp
Classification: Uncertain significance for Charcot-Marie-Tooth disease type 2. Last evaluated: 2024-12-23. Review status: criteria provided, single submitter. Criteria: Invitae Variant Classification Sherloc (09022015). Collection method: clinical testing. Allele origin: germline.
Comment: This sequence change replaces glycine, which is neutral and non-polar, with valine, which is neutral and non-polar, at codon 298 of the MFN2 protein (p.Gly298Val). This variant is not present in population databases (gnomAD no frequency). This variant has not been reported in the literature in individuals affected with MFN2-related conditions. Invitae Evidence Modeling of protein sequence and biophysical properties (such as structural, functional, and spatial information, amino acid conservation, physicochemical variation, residue mobility, and thermodynamic stability) indicates that this missense variant is not expected to disrupt MFN2 protein function with a negative predictive value of 80%. In summary, the available evidence is currently insufficient to determine the role of this variant in disease. Therefore, it has been classified as a Variant of Uncertain Significance.